The following is an entry in ClinVar:

ClinVar aggregate classification (germline): Likely benign (1 of 4 stars; one submission).

gnomAD v4.1: 2 of 1,613,438 alleles (0.00012%); highest among the groups gnomAD compares: Non-Finnish European, 0.00017%; no homozygotes.

Submission:

CeGaT Center for Human Genetics Tuebingen
Classification: Likely benign. Last evaluated: 2025-09-01. Review status: criteria provided, single submitter. Criteria: CeGaT Center For Human Genetics Tuebingen Variant Classification Criteria Version 2. Collection method: clinical testing. Allele origin: germline. Affected: yes. Observed: 1 variant allele.
Comment: WDFY3: BP4, BP7

NM_014991.6(WDFY3):c.1551T>C (p.Ala517=)

Gene: WDFY3 (WD repeat and FYVE domain containing 3; minus strand). Cytogenetic location: 4q21.23.
Variant type: single nucleotide variant.
Coding change: c.1551T>C on transcript NM_014991.6 (MANE Select); coding-DNA position 1551, T replaced by C.
Protein change: p.Ala517=; no amino-acid change (alanine 517 retained).
Molecular consequence: synonymous variant.
Genome position (GRCh38, 1-based): chr4:84,821,124, A>G on the plus strand (T>C on the coding strand, the complement: WDFY3 is on the minus strand). VCF-style: chr4-84821124-A-G. GRCh37 (hg19) VCF-style: chr4-85742277-A-G.
Identifiers: ClinVar variation 4281231 (VCV004281231.7).